The following is an entry in ClinVar:

NM_001374736.1(DST):c.4046C>T (p.Ala1349Val)

Gene: DST (dystonin; minus strand). Cytogenetic location: 6p12.1.
Variant type: single nucleotide variant.
Coding change: c.4046C>T on transcript NM_001374736.1 (MANE Select); coding-DNA position 4046, C replaced by T.
Protein change: p.Ala1349Val; replaces alanine 1349 with valine.
Molecular consequence: missense variant.
Genome position (GRCh38, 1-based): chr6:56,631,307, G>A on the plus strand (C>T on the coding strand, the complement: DST is on the minus strand). VCF-style: chr6-56631307-G-A. GRCh37 (hg19) VCF-style: chr6-56496105-G-A.
Other names: c.3947C>T, p.Ala1316Val (NM_001144769.5); c.3533C>T, p.Ala1178Val (NM_001144770.2); c.4046C>T, p.Ala1349Val (NM_001374722.1); c.3413C>T, p.Ala1138Val (NM_001374729.1, NM_001374730.1, NM_001386100.1 and 1 more transcripts); c.4073C>T, p.Ala1358Val (NM_001374734.1); c.2435C>T, p.Ala812Val (NM_001723.7, NM_015548.5); short protein forms A812V, A1138V, A1178V, A1316V, A1349V, A1358V.
Identifiers: ClinVar variation 357601 (VCV000357601.55), dbSNP rs150656535, ClinGen allele CA3870989.

ClinVar aggregate classification (germline): Uncertain significance. Review status: criteria provided, multiple submitters, no conflicts (2 of 4 stars). 5 submissions from 5 submitters: Uncertain significance (4). 1 of the submissions does not count toward it. Last evaluated 2026-08-01.

Conditions:
Charcot-Marie-Tooth disease. Also called: Charcot-Marie-Tooth Neuropathy; Charcot-Marie-Tooth Hereditary Neuropathy. Identifiers: Orphanet 166, MedGen C0007959, MONDO:0015626.
Inborn genetic diseases. Identifiers: MedGen C0950123, MeSH D030342.
Hereditary sensory and autonomic neuropathy type 6. Also called: HSAN VI; Neuropathy, hereditary sensory and autonomic, type VI. Identifiers: Orphanet 314381, MedGen C3539003, MONDO:0013839, OMIM 614653.
Epidermolysis bullosa simplex 3, localized or generalized intermediate, with BP230 deficiency (EBS3). Also called: Epidermolysis bullosa simplex, autosomal recessive 2; Epidermolysis bullosa simplex due to BP230 deficiency. Identifiers: Orphanet 412181, MedGen C3809470, MONDO:0014180, OMIM 615425.

Allele frequency attached by ClinVar (database versions not stated): 1000 Genomes Project 30x 0.00016; 1000 Genomes Project 0.00020; TOPMed 0.00021; gnomAD 0.00028 and 0.00029; gnomAD exomes 0.00031 and 0.00033; ExAC 0.00035; ESP Exome Variant Server 0.00038.
gnomAD v4.1: 519 of 1,613,978 alleles (0.032%); highest among the groups gnomAD compares: Non-Finnish European, 0.04%; no homozygotes.

Submissions (5):

CeGaT Center for Human Genetics Tuebingen
Classification: Uncertain significance. Last evaluated: 2026-08-01. Review status: criteria provided, single submitter. Criteria: CeGaT Center For Human Genetics Tuebingen Variant Classification Criteria Version 2. Collection method: clinical testing. Allele origin: germline. Affected: yes. Observed: 3 variant alleles.
Comment: DST: PM2, BP4

Labcorp Genetics (formerly Invitae), Labcorp
Classification: Uncertain significance for Epidermolysis bullosa simplex 3, localized or generalized intermediate, with BP230 deficiency; Hereditary sensory and autonomic neuropathy type 6. Last evaluated: 2026-01-04. Review status: criteria provided, single submitter. Criteria: Invitae Variant Classification Sherloc (09022015). Collection method: clinical testing. Allele origin: germline.
Comment: This sequence change replaces alanine, which is neutral and non-polar, with valine, which is neutral and non-polar, at codon 812 of the DST protein (p.Ala812Val). This variant is present in population databases (rs150656535, gnomAD 0.05%). This variant has not been reported in the literature in individuals affected with DST-related conditions. ClinVar contains an entry for this variant (Variation ID: 357601). An algorithm developed to predict the effect of missense changes on protein structure and function (PolyPhen-2) suggests that this variant is likely to be tolerated. In summary, the available evidence is currently insufficient to determine the role of this variant in disease. Therefore, it has been classified as a Variant of Uncertain Significance.

Blueprint Genetics
Classification: Uncertain significance. Last evaluated: 2024-11-18. Review status: criteria provided, single submitter. Criteria: ACMG Guidelines, 2015. Collection method: clinical testing. Allele origin: germline.

Ambry Genetics
Classification: Uncertain significance for Inborn genetic diseases. Last evaluated: 2022-08-24. Review status: criteria provided, single submitter. Criteria: Ambry Variant Classification Scheme 2023. Collection method: clinical testing. Allele origin: germline.
Comment: The p.A1316V variant (also known as c.3947C>T), located in coding exon 29 of the DST gene, results from a C to T substitution at nucleotide position 3947. The alanine at codon 1316 is replaced by valine, an amino acid with similar properties. This amino acid position is well conserved in available vertebrate species. In addition, this alteration is predicted to be tolerated by in silico analysis. Since supporting evidence is limited at this time, the clinical significance of this alteration remains unclear.

Inherited Neuropathy Consortium
Classification: Uncertain significance for Charcot-Marie-Tooth disease. Review status: no assertion criteria provided. Collection method: research. Allele origin: inherited. Affected: yes. Not counted in ClinVar's aggregate classification.